The following is an entry in ClinVar:

NM_032125.3(TMEM222):c.501G>A (p.Thr167=)

Gene: TMEM222 (transmembrane protein 222; plus strand). Cytogenetic location: 1p36.11.
Variant type: single nucleotide variant.
Coding change: c.501G>A on transcript NM_032125.3 (MANE Select); coding-DNA position 501, G replaced by A.
Protein change: p.Thr167=; no amino-acid change (threonine 167 retained).
Molecular consequence: synonymous variant. On other transcripts: non-coding transcript variant (3).
Genome position (GRCh38, 1-based): chr1:27,334,243, G>A. VCF-style: chr1-27334243-G-A. GRCh37 (hg19) VCF-style: chr1-27660734-G-A.
Identifiers: ClinVar variation 2570717 (VCV002570717.27), dbSNP rs41291080, ClinGen allele CA712223.
Genomic context (GRCh38, chr1:27,334,243, plus strand): 5'-CGTGGCATTGGCCCTGAATCTGATGCGCTACAACAACAGCACCAACTGGAATATGGTGAC[G>A]CTCTGCTTCTTCTGCCTGCTCTACGGGAAGTACGTCAGGTGAGCTGCCCTCCTGCCTGCC-3'
Protein context (NP_115501.2, residues 157-177): YNNSTNWNMV[Thr167=]LCFFCLLYGK

ClinVar aggregate classification (germline): Benign (1 of 4 stars; one submission).

Allele frequency attached by ClinVar (database versions not stated): 1000 Genomes Project 0.00359; 1000 Genomes Project 30x 0.00390; ExAC 0.00818; TOPMed 0.00853; gnomAD 0.00885; ESP Exome Variant Server 0.00953.
gnomAD v4.1: 21,412 of 1,614,216 alleles (1.3%); highest among the groups gnomAD compares: Non-Finnish European, 1.6%; 192 homozygotes.

Submission:

CeGaT Center for Human Genetics Tuebingen
Classification: Benign. Last evaluated: 2023-05-01. Review status: criteria provided, single submitter. Criteria: CeGaT Center For Human Genetics Tuebingen Variant Classification Criteria Version 2. Collection method: clinical testing. Allele origin: germline. Affected: yes. Observed: 2 variant alleles.
Comment: TMEM222: BP4, BP7, BS1, BS2